The following is an entry in ClinVar:

ClinVar aggregate classification (germline): Uncertain significance. Review status: criteria provided, multiple submitters, no conflicts (2 of 4 stars). 2 submissions from 2 submitters: Uncertain significance (2). Last evaluated 2026-08-26.

Submissions (2):

GeneDx
Classification: Uncertain significance. Last evaluated: 2026-08-26. Review status: criteria provided, single submitter. Criteria: GeneDx Variant Classification Process June 2021. Collection method: clinical testing. Allele origin: germline.
Comment: Not observed at significant frequency in large population cohorts (gnomAD); In silico analysis supports that this missense variant has a deleterious effect on protein structure/function; Has not been previously published as pathogenic or benign to our knowledge

Labcorp Genetics (formerly Invitae), Labcorp
Classification: Uncertain significance. Last evaluated: 2021-11-15. Review status: criteria provided, single submitter. Criteria: Invitae Variant Classification Sherloc (09022015). Collection method: clinical testing. Allele origin: germline.
Comment: In summary, the available evidence is currently insufficient to determine the role of this variant in disease. Therefore, it has been classified as a Variant of Uncertain Significance. Algorithms developed to predict the effect of missense changes on protein structure and function are either unavailable or do not agree on the potential impact of this missense change (SIFT: "Deleterious"; PolyPhen-2: "Probably Damaging"; Align-GVGD: "Class C0"). This variant has not been reported in the literature in individuals affected with CDH2-related conditions. This variant is not present in population databases (gnomAD no frequency). This sequence change replaces glycine, which is neutral and non-polar, with glutamic acid, which is acidic and polar, at codon 336 of the CDH2 protein (p.Gly336Glu).

NM_001792.5(CDH2):c.1007G>A (p.Gly336Glu)

Gene: CDH2 (cadherin 2; minus strand). Cytogenetic location: 18q12.1.
Variant type: single nucleotide variant.
Coding change: c.1007G>A on transcript NM_001792.5 (MANE Select); coding-DNA position 1007, G replaced by A.
Protein change: p.Gly336Glu; replaces glycine 336 with glutamic acid.
Molecular consequence: missense variant.
Genome position (GRCh38, 1-based): chr18:28,003,010, C>T on the plus strand (G>A on the coding strand, the complement: CDH2 is on the minus strand). VCF-style: chr18-28003010-C-T. GRCh37 (hg19) VCF-style: chr18-25582974-C-T.
Other names: c.1007G>A (NM_001792.4); c.914G>A, p.Gly305Glu (NM_001308176.2); short protein forms G305E, G336E.
Identifiers: ClinVar variation 1468042 (VCV001468042.8), dbSNP rs2144009827, ClinGen allele CA402242688.